The following is an entry in ClinVar:

NM_000520.6(HEXA):c.304C>T (p.Pro102Ser)

Gene: HEXA (hexosaminidase subunit alpha; minus strand). Cytogenetic location: 15q23.
Variant type: single nucleotide variant.
Coding change: c.304C>T on transcript NM_000520.6 (MANE Select); coding-DNA position 304, C replaced by T.
Protein change: p.Pro102Ser; replaces proline 102 with serine.
Molecular consequence: missense variant. On other transcripts: non-coding transcript variant (1).
Genome position (GRCh38, 1-based): chr15:72,356,567, G>A on the plus strand (C>T on the coding strand, the complement: HEXA is on the minus strand). VCF-style: chr15-72356567-G-A. GRCh37 (hg19) VCF-style: chr15-72648908-G-A.
Other names: c.337C>T, p.Pro113Ser (NM_001318825.2); short protein forms P102S, P113S.
Identifiers: ClinVar variation 554884 (VCV000554884.4), dbSNP rs1217876329, ClinGen allele CA393067356.

ClinVar aggregate classification (germline): Uncertain significance. Review status: criteria provided, single submitter (1 of 4 stars). 2 submissions from 2 submitters: Uncertain significance (1). 1 of the submissions does not count toward it. Last evaluated 2018-04-12.

Conditions:
Tay-Sachs disease (TSD). Also called: HEXA Disorders; HEXA DEFICIENCY; Hexosaminidase A Deficiency; GM2 gangliosidosis, type 1; Hexosaminidase alpha-subunit deficiency (variant B); Sphingolipidosis, Tay-Sachs. Identifiers: Orphanet 845, MedGen C0039373, MONDO:0010100, OMIM 272800.

Allele frequency attached by ClinVar (database versions not stated): gnomAD exomes below 0.00001 and 0.00001.

Submissions (2):

Labcorp Genetics (formerly Invitae), Labcorp
Classification: Uncertain significance for Tay-Sachs disease. Last evaluated: 2018-04-12. Review status: criteria provided, single submitter. Criteria: Invitae Variant Classification Sherloc (09022015). Collection method: clinical testing. Allele origin: germline.
Comment: This sequence change replaces proline with serine at codon 102 of the HEXA protein (p.Pro102Ser). The proline residue is moderately conserved and there is a moderate physicochemical difference between proline and serine. This variant is not present in population databases (ExAC no frequency). This variant has not been reported in the literature in individuals with HEXA-related disease. Algorithms developed to predict the effect of missense changes on protein structure and function (SIFT, PolyPhen-2, Align-GVGD) all suggest that this variant is likely to be tolerated, but these predictions have not been confirmed by published functional studies and their clinical significance is uncertain. In summary, the available evidence is currently insufficient to determine the role of this variant in disease. Therefore, it has been classified as a Variant of Uncertain Significance.

Counsyl
Classification: Uncertain significance for Tay-Sachs disease. Last evaluated: 2017-11-16. Review status: no assertion criteria provided. Collection method: clinical testing. Allele origin: unknown. Not counted in ClinVar's aggregate classification.